The following is an entry in ClinVar:

ClinVar aggregate classification (germline): Uncertain significance (1 of 4 stars; one submission).

Submission:

Labcorp Genetics (formerly Invitae), Labcorp
Classification: Uncertain significance. Last evaluated: 2024-06-04. Review status: criteria provided, single submitter. Criteria: Invitae Variant Classification Sherloc (09022015). Collection method: clinical testing. Allele origin: germline.
Comment: This sequence change replaces aspartic acid, which is acidic and polar, with asparagine, which is neutral and polar, at codon 547 of the COL2A1 protein (p.Asp547Asn). This variant is not present in population databases (gnomAD no frequency). This variant has not been reported in the literature in individuals affected with COL2A1-related conditions. Advanced modeling of protein sequence and biophysical properties (such as structural, functional, and spatial information, amino acid conservation, physicochemical variation, residue mobility, and thermodynamic stability) performed at Invitae indicates that this missense variant is not expected to disrupt COL2A1 protein function with a negative predictive value of 95%. In summary, the available evidence is currently insufficient to determine the role of this variant in disease. Therefore, it has been classified as a Variant of Uncertain Significance.

NM_001844.5(COL2A1):c.1639G>A (p.Asp547Asn)

Gene: COL2A1 (collagen type II alpha 1 chain; minus strand). Cytogenetic location: 12q13.11.
Variant type: single nucleotide variant.
Coding change: c.1639G>A on transcript NM_001844.5 (MANE Select); coding-DNA position 1639, G replaced by A.
Protein change: p.Asp547Asn; replaces aspartic acid 547 with asparagine.
Molecular consequence: missense variant.
Genome position (GRCh38, 1-based): chr12:47,985,769, C>T on the plus strand (G>A on the coding strand, the complement: COL2A1 is on the minus strand). VCF-style: chr12-47985769-C-T. GRCh37 (hg19) VCF-style: chr12-48379552-C-T.
Other names: c.1432G>A, p.Asp478Asn (NM_033150.3); short protein forms D478N, D547N.
Identifiers: ClinVar variation 3655558 (VCV003655558.2).